The following is an entry in ClinVar:

ClinVar aggregate classification (germline): Uncertain significance. Review status: criteria provided, multiple submitters, no conflicts (2 of 4 stars). 2 submissions from 2 submitters: Uncertain significance (2). Last evaluated 2026-01-11.

Allele frequency attached by ClinVar (database versions not stated): gnomAD exomes 0.00001 and 0.00003; ExAC 0.00004; TOPMed 0.00005; gnomAD 0.00006 and 0.00007; ESP Exome Variant Server 0.00008; 1000 Genomes Project 30x 0.00031; 1000 Genomes Project 0.00040.
gnomAD v4.1: 29 of 1,613,936 alleles (0.0018%); highest among the groups gnomAD compares: Middle Eastern, 0.05%; no homozygotes.

Submissions (2):

Labcorp Genetics (formerly Invitae), Labcorp
Classification: Uncertain significance. Last evaluated: 2026-01-11. Review status: criteria provided, single submitter. Criteria: Invitae Variant Classification Sherloc (09022015). Collection method: clinical testing. Allele origin: germline.
Comment: This sequence change replaces asparagine, which is neutral and polar, with serine, which is neutral and polar, at codon 29 of the GABRB1 protein (p.Asn29Ser). This variant is present in population databases (rs148675961, gnomAD 0.03%). This variant has not been reported in the literature in individuals affected with GABRB1-related conditions. ClinVar contains an entry for this variant (Variation ID: 1350780). Invitae Evidence Modeling of protein sequence and biophysical properties (such as structural, functional, and spatial information, amino acid conservation, physicochemical variation, residue mobility, and thermodynamic stability) indicates that this missense variant is not expected to disrupt GABRB1 protein function with a negative predictive value of 95%. In summary, the available evidence is currently insufficient to determine the role of this variant in disease. Therefore, it has been classified as a Variant of Uncertain Significance.

Ambry Genetics
Classification: Uncertain significance. Last evaluated: 2025-05-04. Review status: criteria provided, single submitter. Criteria: Ambry Variant Classification Scheme 2023. Collection method: clinical testing. Allele origin: germline.

NM_000812.4(GABRB1):c.86A>G (p.Asn29Ser)

Gene: GABRB1 (gamma-aminobutyric acid type A receptor subunit beta1; plus strand). Cytogenetic location: 4p12.
Variant type: single nucleotide variant.
Coding change: c.86A>G on transcript NM_000812.4 (MANE Select); coding-DNA position 86, A replaced by G.
Protein change: p.Asn29Ser; replaces asparagine 29 with serine.
Molecular consequence: missense variant.
Genome position (GRCh38, 1-based): chr4:47,031,919, A>G. VCF-style: chr4-47031919-A-G. GRCh37 (hg19) VCF-style: chr4-47033936-A-G.
Other names: c.86A>G (NM_000812.3); short protein forms N29S.
Identifiers: ClinVar variation 1350780 (VCV001350780.10), dbSNP rs148675961, ClinGen allele CA2907434.